The following is an entry in ClinVar:

ClinVar aggregate classification (germline): Uncertain significance (1 of 4 stars; one submission).

Submission:

Labcorp Genetics (formerly Invitae), Labcorp
Classification: Uncertain significance. Last evaluated: 2022-02-03. Review status: criteria provided, single submitter. Criteria: Invitae Variant Classification Sherloc (09022015). Collection method: clinical testing. Allele origin: germline.
Comment: This sequence change replaces phenylalanine, which is neutral and non-polar, with leucine, which is neutral and non-polar, at codon 383 of the COQ2 protein (p.Phe383Leu). This variant is not present in population databases (gnomAD no frequency). This missense change has been observed in individual(s) with steroid-resistant nephrotic syndrome (PMID: 28658201). Algorithms developed to predict the effect of missense changes on protein structure and function are either unavailable or do not agree on the potential impact of this missense change (SIFT: "Tolerated"; PolyPhen-2: "Probably Damaging"; Align-GVGD: "Class C0"). In summary, the available evidence is currently insufficient to determine the role of this variant in disease. Therefore, it has been classified as a Variant of Uncertain Significance.

Literature cited by the submitters: PubMed 28658201.

NM_001358921.2(COQ2):c.997T>C (p.Phe333Leu)

Gene: COQ2 (coenzyme Q2, polyprenyltransferase; minus strand). Cytogenetic location: 4q21.23.
Variant type: single nucleotide variant.
Coding change: c.997T>C on transcript NM_001358921.2 (MANE Select); coding-DNA position 997, T replaced by C.
Protein change: p.Phe333Leu; replaces phenylalanine 333 with leucine.
Molecular consequence: missense variant.
Genome position (GRCh38, 1-based): chr4:83,264,318, A>G on the plus strand (T>C on the coding strand, the complement: COQ2 is on the minus strand). VCF-style: chr4-83264318-A-G. GRCh37 (hg19) VCF-style: chr4-84185471-A-G.
Other names: c.1147T>C, p.Phe383Leu (NM_015697.9); short protein forms F333L, F383L.
Identifiers: ClinVar variation 2203550 (VCV002203550.1), dbSNP rs2529748209, ClinGen allele CA357227983.